The following is an entry in ClinVar:

NM_004999.4(MYO6):c.3679T>C (p.Cys1227Arg)

Gene: MYO6 (myosin VI; plus strand). Cytogenetic location: 6q14.1.
Variant type: single nucleotide variant.
Coding change: c.3679T>C on transcript NM_004999.4 (MANE Select); coding-DNA position 3679, T replaced by C.
Protein change: p.Cys1227Arg; replaces cysteine 1227 with arginine.
Molecular consequence: missense variant. On other transcripts: non-coding transcript variant (1).
Genome position (GRCh38, 1-based): chr6:75,914,833, T>C. VCF-style: chr6-75914833-T-C. GRCh37 (hg19) VCF-style: chr6-76624550-T-C.
Other names: p.Cys1227Arg; c.3610T>C, p.Cys1204Arg (NM_001300899.2); c.3583T>C, p.Cys1195Arg (NM_001368136.1); c.3640T>C, p.Cys1214Arg (NM_001368137.1); c.3595T>C, p.Cys1199Arg (NM_001368138.1); c.3706T>C, p.Cys1236Arg (NM_001368865.1); c.3679T>C, p.Cys1227Arg (NM_001368866.1); c.3679T>C (NM_004999.3); short protein forms C1195R, C1199R, C1227R, C1204R, C1214R, C1236R.
Identifiers: ClinVar variation 929908 (VCV000929908.9), dbSNP rs370061746, ClinGen allele CA3897797.
Genomic context (GRCh38, chr6:75,914,833, plus strand): 5'-AAGAGAGAGATGGTAATTTTCTGATATCTCATGAATACAGGTAAGGACGACATGGAGATG[T>C]GTGAGCTGAATCTTGAGGAGACTGGCCTGACTCGGAAGCGTGGTGCTGAGATCTTGCCAA-3'
Protein context (NP_004990.3, residues 1217-1237): LVAGKDDMEM[Cys1227Arg]ELNLEETGLT

ClinVar aggregate classification (germline): Uncertain significance. Review status: criteria provided, multiple submitters, no conflicts (2 of 4 stars). 5 submissions from 5 submitters: Uncertain significance (5). Last evaluated 2026-09-03.

Conditions:
MYO6-related disorder. Also called: MYO6-related condition; MYO6-related disorders.

Allele frequency attached by ClinVar (database versions not stated): gnomAD exomes below 0.00001; ExAC 0.00001; TOPMed 0.00002; gnomAD 0.00003; ESP Exome Variant Server 0.00008.
gnomAD v4.1: 10 of 1,614,022 alleles (0.00062%); highest among the groups gnomAD compares: African/African-American, 0.0067%; no homozygotes.

Submissions (5):

PreventionGenetics, part of Exact Sciences
Classification: Uncertain significance for MYO6-related condition. Last evaluated: 2026-09-03. Review status: criteria provided, single submitter. Criteria: ACMG Guidelines, 2015. Collection method: clinical testing. Allele origin: germline.
Comment: The MYO6 c.3679T>C variant is predicted to result in the amino acid substitution p.Cys1227Arg. This variant has been reported in the heterozygous state in an individual with hearing loss (described as p.Cys1236Arg, Tollefson et al. 2023. PubMed ID: 37086329). This variant is reported in 0.0040% of alleles in individuals of African descent in gnomAD. At this time, the clinical significance of this variant is uncertain due to the absence of conclusive functional and genetic evidence.

Mayo Clinic Laboratories, Mayo Clinic
Classification: Uncertain significance. Last evaluated: 2025-08-06. Review status: criteria provided, single submitter. Criteria: ACMG Guidelines, 2015. Collection method: clinical testing. Allele origin: germline. Observed: 1 variant allele.
Comment: PP3, PM2_moderate

Labcorp Genetics (formerly Invitae), Labcorp
Classification: Uncertain significance. Last evaluated: 2025-03-20. Review status: criteria provided, single submitter. Criteria: Invitae Variant Classification Sherloc (09022015). Collection method: clinical testing. Allele origin: germline.
Comment: This sequence change replaces cysteine, which is neutral and slightly polar, with arginine, which is basic and polar, at codon 1227 of the MYO6 protein (p.Cys1227Arg). This variant is present in population databases (rs370061746, gnomAD 0.004%). This missense change has been observed in individual(s) with deafness (internal data). ClinVar contains an entry for this variant (Variation ID: 929908). Invitae Evidence Modeling of protein sequence and biophysical properties (such as structural, functional, and spatial information, amino acid conservation, physicochemical variation, residue mobility, and thermodynamic stability) indicates that this missense variant is expected to disrupt MYO6 protein function with a positive predictive value of 80%. In summary, the available evidence is currently insufficient to determine the role of this variant in disease. Therefore, it has been classified as a Variant of Uncertain Significance.

AiLife Diagnostics
Classification: Uncertain significance. Last evaluated: 2022-01-27. Review status: criteria provided, single submitter. Criteria: ACMG Guidelines, 2015. Collection method: clinical testing. Allele origin: germline. Affected: yes. Observed: 1 variant allele.

Laboratory for Molecular Medicine, Mass General Brigham Personalized Medicine
Classification: Uncertain significance. Last evaluated: 2019-07-15. Review status: criteria provided, single submitter. Criteria: LMM Criteria. Collection method: clinical testing. Allele origin: germline. Observed: 1 variant allele.
Comment: The p.Cys1227Arg variant in MYO6 has not been previously reported in individuals with hearing loss, but was identified in 0.004% (1/24958) of African chromosomes by gnomAD. Computational prediction tools and conservation analyses suggest that this variant may impact the protein, though this information is not predictive enough to determine pathogenicity. In summary, the clinical significance of this variant is uncertain. ACMG/AMP Criteria applied: PP3.

Literature cited by the submitters: PubMed 37086329 (cited by Mayo Clinic Laboratories, Mayo Clinic).